The following is an entry in ClinVar:

ClinVar aggregate classification (germline): Uncertain significance (1 of 4 stars; one submission).

Submission:

Labcorp Genetics (formerly Invitae), Labcorp
Classification: Uncertain significance. Last evaluated: 2024-03-23. Review status: criteria provided, single submitter. Criteria: Invitae Variant Classification Sherloc (09022015). Collection method: clinical testing. Allele origin: germline.
Comment: This sequence change replaces tyrosine, which is neutral and polar, with cysteine, which is neutral and slightly polar, at codon 229 of the RXYLT1 protein (p.Tyr229Cys). This variant is not present in population databases (gnomAD no frequency). This missense change has been observed in individual(s) with clinical features of muscular dystrophy-dystroglycanopathy (PMID: 32552793). ClinVar contains an entry for this variant (Variation ID: 1982371). Advanced modeling of protein sequence and biophysical properties (such as structural, functional, and spatial information, amino acid conservation, physicochemical variation, residue mobility, and thermodynamic stability) performed at Invitae indicates that this missense variant is expected to disrupt RXYLT1 protein function with a positive predictive value of 80%. In summary, the available evidence is currently insufficient to determine the role of this variant in disease. Therefore, it has been classified as a Variant of Uncertain Significance.

Literature cited by the submitters: PubMed 32552793.

NM_014254.3(RXYLT1):c.686A>G (p.Tyr229Cys)

Gene: RXYLT1 (ribitol xylosyltransferase 1; plus strand). Cytogenetic location: 12q14.2.
Variant type: single nucleotide variant.
Coding change: c.686A>G on transcript NM_014254.3 (MANE Select); coding-DNA position 686, A replaced by G.
Protein change: p.Tyr229Cys; replaces tyrosine 229 with cysteine.
Molecular consequence: missense variant. On other transcripts: 5 prime UTR variant (1).
Genome position (GRCh38, 1-based): chr12:63,802,348, A>G. VCF-style: chr12-63802348-A-G. GRCh37 (hg19) VCF-style: chr12-64196128-A-G.
Other names: c.-95A>G (NM_001278237.2); short protein forms Y229C.
Identifiers: ClinVar variation 1982371 (VCV001982371.4), dbSNP rs2500520171, ClinGen allele CA385658181.